The following is an entry in ClinVar:

NM_017763.6(RNF43):c.433C>T (p.Arg145Ter)

Gene: RNF43 (ring finger protein 43; minus strand). Cytogenetic location: 17q22.
Variant type: single nucleotide variant.
Coding change: c.433C>T on transcript NM_017763.6 (MANE Select); coding-DNA position 433, C replaced by T.
Protein change: p.Arg145Ter; replaces arginine 145 with a stop codon.
Molecular consequence: nonsense.
Genome position (GRCh38, 1-based): chr17:58,363,543, G>A on the plus strand (C>T on the coding strand, the complement: RNF43 is on the minus strand). VCF-style: chr17-58363543-G-A. GRCh37 (hg19) VCF-style: chr17-56440904-G-A.
Other names: c.433C>T, p.Arg145Ter (NM_001305544.3); c.52C>T, p.Arg18Ter (NM_001305545.2); short protein forms R145*, R18*.
Identifiers: ClinVar variation 2413396 (VCV002413396.9), dbSNP rs1458799446, ClinGen allele CA400339057.
Genomic context (GRCh38, chr17:58,363,543, plus strand): 5'-TCCATCCAGCCCCCACCTTGAACACGCAAATGTCCCTGGGTACCTGCTCAGCAGCAGCTC[G>A]ATCCTCAGTGATGTCAAAGAGGACAGCACTGGCTCCTCGCTCACCCGCCATCCGAGCCTG-3'

ClinVar aggregate classification (germline): Conflicting classifications of pathogenicity. Review status: criteria provided, conflicting classifications (1 of 4 stars). 3 submissions from 3 submitters: Pathogenic (1); Uncertain significance (2). Last evaluated 2025-12-12.
ClinVar aggregate classification (oncogenicity): Likely oncogenic (1 of 4 stars; one submission).

Conditions:
Sessile serrated polyposis cancer syndrome (SSPCS). Identifiers: Orphanet 157798, MedGen C4310714, MONDO:0014919, OMIM 617108.
Neoplasm. Also called: Neoplasms; Neoplasm (disease); tumor. Identifiers: MedGen C0027651, MeSH D009369, MONDO:0005070, HP:0002664.

Allele frequency attached by ClinVar (database versions not stated): gnomAD exomes below 0.00001.

Submissions (4):

Center for Genomic Medicine, Rigshospitalet, Copenhagen University Hospital
Classification: Likely oncogenic for Neoplasm. Last evaluated: 2025-12-29. Review status: criteria provided, single submitter. Criteria: ClinGen/CGC/VICC Guidelines for Oncogenicity, 2022. Collection method: clinical testing. Allele origin: somatic. Affected: yes.

Myriad Genetics, Inc.
Classification: Pathogenic for Sessile serrated polyposis cancer syndrome. Last evaluated: 2025-12-12. Review status: criteria provided, single submitter. Criteria: Myriad Autosomal Dominant, Autosomal Recessive and X-Linked Classification Criteria (2023). Collection method: clinical testing. Allele origin: unknown.
Comment: This variant is considered pathogenic. This variant creates a termination codon and is predicted to result in premature protein truncation.

Ambry Genetics
Classification: Uncertain significance. Last evaluated: 2025-05-18. Review status: criteria provided, single submitter. Criteria: Ambry Variant Classification Scheme 2023. Collection method: clinical testing. Allele origin: germline.
Comment: The p.R145* variant (also known as c.433C>T), located in coding exon 3 of the RNF43 gene, results from a C to T substitution at nucleotide position 433. This changes the amino acid from an arginine to a stop codon within coding exon 3. This alteration is expected to result in loss of function by premature protein truncation or nonsense-mediated mRNA decay. The evidence for this gene-disease relationship is limited; therefore, the clinical significance of this alteration is unclear.

Labcorp Genetics (formerly Invitae), Labcorp
Classification: Uncertain significance. Last evaluated: 2024-11-02. Review status: criteria provided, single submitter. Criteria: Invitae Variant Classification Sherloc (09022015). Collection method: clinical testing. Allele origin: germline.
Comment: This sequence change creates a premature translational stop signal (p.Arg145*) in the RNF43 gene. It is expected to result in an absent or disrupted protein product. However, the current clinical and genetic evidence is not sufficient to establish whether loss-of-function variants in RNF43 cause disease. This variant is not present in population databases (gnomAD no frequency). This variant has not been reported in the literature in individuals affected with RNF43-related conditions. ClinVar contains an entry for this variant (Variation ID: 2413396). In summary, the available evidence is currently insufficient to determine the role of this variant in disease. Therefore, it has been classified as a Variant of Uncertain Significance.

Literature cited by the submitters: PubMed 33067269 (cited by Center for Genomic Medicine, Rigshospitalet, Copenhagen University Hospital).